The following is an entry in ClinVar:

ClinVar aggregate classification (germline): Conflicting classifications of pathogenicity. Review status: criteria provided, conflicting classifications (1 of 4 stars). 6 submissions from 6 submitters: Uncertain significance (3); Likely benign (1). 2 of the submissions do not count toward it. Last evaluated 2024-06-06.

Conditions:
Hereditary cancer-predisposing syndrome. Also called: Hereditary Cancer Syndrome; Neoplastic Syndromes, Hereditary; Tumor predisposition; Hereditary neoplastic syndrome. Identifiers: Orphanet 140162, MedGen C0027672, MeSH D009386, MONDO:0015356.
Hereditary breast ovarian cancer syndrome. Also called: Hereditary breast and ovarian cancer; Hereditary breast and ovarian cancer syndrome; Breast and ovarian cancer; Hereditary breast and ovarian cancer syndrome (HBOC); Hereditary breast and/or ovarian cancer syndrome; BRCA1- and BRCA2-Associated Hereditary Breast and Ovarian Cancer. Identifiers: Orphanet 145, MedGen C0677776, MeSH D061325, MONDO:0003582. Disease mechanism: loss of function.
Breast-ovarian cancer, familial, susceptibility to, 2 (BROVCA2). Also called: BRCA2 Hereditary Breast and Ovarian Cancer. Identifiers: Orphanet 145, MedGen C2675520, MONDO:0012933, OMIM 612555. Disease mechanism: loss of function.

Allele frequency attached by ClinVar (database versions not stated): gnomAD exomes below 0.00001 and 0.00001; ExAC 0.00001.
gnomAD v4.1: 5 of 1,614,034 alleles (0.00031%); highest among the groups gnomAD compares: Non-Finnish European, 0.00017%; no homozygotes.

Submissions (6):

Ambry Genetics
Classification: Uncertain significance for Hereditary cancer-predisposing syndrome. Last evaluated: 2024-06-06. Review status: criteria provided, single submitter. Criteria: Ambry Variant Classification Scheme 2023. Collection method: clinical testing. Allele origin: germline.
Comment: The p.D750H variant (also known as c.2248G>C), located in coding exon 10 of the BRCA2 gene, results from a G to C substitution at nucleotide position 2248. The aspartic acid at codon 750 is replaced by histidine, an amino acid with similar properties. This amino acid position is poorly conserved in available vertebrate species. In addition, this alteration is predicted to be tolerated by in silico analysis. Since supporting evidence is limited at this time, the clinical significance of this alteration remains unclear.

Labcorp Genetics (formerly Invitae), Labcorp
Classification: Uncertain significance for Hereditary breast ovarian cancer syndrome. Last evaluated: 2023-10-13. Review status: criteria provided, single submitter. Criteria: Invitae Variant Classification Sherloc (09022015). Collection method: clinical testing. Allele origin: germline.
Comment: This sequence change replaces aspartic acid, which is acidic and polar, with histidine, which is basic and polar, at codon 750 of the BRCA2 protein (p.Asp750His). This variant is present in population databases (rs773125650, gnomAD 0.009%). This variant has not been reported in the literature in individuals affected with BRCA2-related conditions. ClinVar contains an entry for this variant (Variation ID: 186565). Advanced modeling of protein sequence and biophysical properties (such as structural, functional, and spatial information, amino acid conservation, physicochemical variation, residue mobility, and thermodynamic stability) performed at Invitae indicates that this missense variant is not expected to disrupt BRCA2 protein function. In summary, the available evidence is currently insufficient to determine the role of this variant in disease. Therefore, it has been classified as a Variant of Uncertain Significance.

University of Washington Department of Laboratory Medicine, University of Washington
Classification: Likely benign for Hereditary cancer-predisposing syndrome. Last evaluated: 2023-03-23. Review status: criteria provided, single submitter. Criteria: Dines et al. (Genet Med. 2020). Collection method: curation. Allele origin: germline.
Comment: Missense variant in a coldspot region where missense variants are very unlikely to be pathogenic (PMID:31911673).

BRCA2 exon 11 coldspot. Reclassification based on statistical prior probability.

Color Diagnostics, LLC DBA Color Health
Classification: Uncertain significance for Hereditary cancer-predisposing syndrome. Last evaluated: 2020-01-07. Review status: criteria provided, single submitter. Criteria: ACMG Guidelines, 2015. Collection method: clinical testing. Allele origin: germline.
Comment: This missense variant replaces aspartic acid with histidine at codon 750 of the BRCA2 protein. Computational prediction suggests that this variant may not impact protein structure and function (internally defined REVEL score threshold <= 0.5, PMID: 27666373). Splice site prediction tools suggest that this variant may not impact RNA splicing. To our knowledge, functional studies have not been performed for this variant. This variant has not been reported in individuals affected with hereditary cancer in the literature. This variant has been identified in 2/251258 chromosomes in the general population by the Genome Aggregation Database (gnomAD). The available evidence is insufficient to determine the role of this variant in disease conclusively. Therefore, this variant is classified as a Variant of Uncertain Significance.

BRCAlab, Lund University
Classification: Uncertain significance for Breast-ovarian cancer, familial, susceptibility to, 2. Last evaluated: 2020-03-02. Review status: no assertion criteria provided. Collection method: clinical testing. Allele origin: germline. Affected: yes. Not counted in ClinVar's aggregate classification.

Sharing Clinical Reports Project (SCRP)
Classification: Uncertain significance for Breast-ovarian cancer, familial 2. Last evaluated: 2010-04-26. Review status: no assertion criteria provided. Collection method: clinical testing. Allele origin: germline. Not counted in ClinVar's aggregate classification.

NM_000059.4(BRCA2):c.2248G>C (p.Asp750His)

Gene: BRCA2 (BRCA2 DNA repair associated; plus strand). Cytogenetic location: 13q13.1.
Variant type: single nucleotide variant.
Coding change: c.2248G>C on transcript NM_000059.4 (MANE Select); coding-DNA position 2248, G replaced by C.
Protein change: p.Asp750His; replaces aspartic acid 750 with histidine.
Molecular consequence: missense variant.
Genome position (GRCh38, 1-based): chr13:32,336,603, G>C. VCF-style: chr13-32336603-G-C. GRCh37 (hg19) VCF-style: chr13-32910740-G-C.
Other names: 2476G>C; short protein forms D750H.
Identifiers: ClinVar variation 186565 (VCV000186565.21), dbSNP rs773125650, ClinGen allele CA014741.